The following is an entry in ClinVar:

NM_000090.4(COL3A1):c.1150-2A>T

Gene: COL3A1 (collagen type III alpha 1 chain; plus strand). Cytogenetic location: 2q32.2.
Variant type: single nucleotide variant.
Coding change: c.1150-2A>T on transcript NM_000090.4 (MANE Select); the canonical splice acceptor site of the intron before coding-DNA position 1150, A replaced by T.
Molecular consequence: splice acceptor variant.
Genome position (GRCh38, 1-based): chr2:188,994,036, A>T. VCF-style: chr2-188994036-A-T. GRCh37 (hg19) VCF-style: chr2-189858762-A-T.
Identifiers: ClinVar variation 4293099 (VCV004293099.1).
Genomic context (GRCh38, chr2:188,994,036, plus strand): 5'-TTCAAATATATACGAACTATTTGCATTACTATTAATACATTATCTGTTTTTTGTATACTT[A>T]GGGCCCTCCTGGGATTAATGGTAGTCCTGGTGGTAAAGGCGAAATGGTAAGCTGTCCCCA-3'

ClinVar aggregate classification (germline): Pathogenic (1 of 4 stars; one submission).

Conditions:
Ehlers-Danlos syndrome, type 4 (EDSVASC). Also called: Ehlers-Danlos syndrome vascular type; Ehlers Danlos syndrome, ecchymotic type; Ehlers Danlos syndrome, arterial type; Ehlers Danlos syndrome, Sack-Barabas type; Ehlers-Danlos Syndrome Type IV. Identifiers: Orphanet 286, MedGen C0268338, MONDO:0017314, OMIM 130050.

Submission:

3billion
Classification: Pathogenic for Ehlers-Danlos syndrome, type 4. Last evaluated: 2024-11-18. Review status: criteria provided, single submitter. Criteria: ACMG Guidelines, 2015. Collection method: clinical testing. Allele origin: germline. Affected: yes.
Comment: The variant is not observed in the gnomAD v4.1.0 dataset. Predicted Consequence/Location: Canonical splice site: predicted to alter splicing and result in a loss or disruption of normal protein function. Multiple pathogenic loss-of-function variants are reported downstream of the variant. In silico tools predict the variant to alter splicing and produce an abnormal transcript [SpliceAI: 0.97 (spliceogenicity >=0.2, non-spliceogenicity <0.1)]. The variant has been reported to be associated with COL3A1-related disorder (PMID: 27011056). Therefore, this variant is classified as Pathogenic according to the recommendation of ACMG/AMP guideline.

Literature cited by the submitters: PubMed 27011056.